The following is an entry in ClinVar:

NM_001379200.1(TBX1):c.608A>G (p.His203Arg)

Gene: TBX1 (T-box transcription factor 1; plus strand). Cytogenetic location: 22q11.21.
Variant type: single nucleotide variant.
Coding change: c.608A>G on transcript NM_001379200.1 (MANE Select); coding-DNA position 608, A replaced by G.
Protein change: p.His203Arg; replaces histidine 203 with arginine.
Molecular consequence: missense variant.
Genome position (GRCh38, 1-based): chr22:19,764,223, A>G. VCF-style: chr22-19764223-A-G. GRCh37 (hg19) VCF-style: chr22-19751746-A-G.
Other names: c.581A>G, p.His194Arg (NM_005992.1, NM_080646.2, NM_080647.1); short protein forms H203R, H194R.
Identifiers: ClinVar variation 2712834 (VCV002712834.3), dbSNP rs2517850029, ClinGen allele CA410682810.

ClinVar aggregate classification (germline): Uncertain significance (1 of 4 stars; one submission).

Conditions:
DiGeorge syndrome. Also called: THIRD AND FOURTH PHARYNGEAL POUCH SYNDROME; Catch22. Identifiers: Orphanet 567, MedGen C0012236, MONDO:0008564, OMIM 188400.

Submission:

Labcorp Genetics (formerly Invitae), Labcorp
Classification: Uncertain significance for DiGeorge syndrome. Last evaluated: 2025-10-13. Review status: criteria provided, single submitter. Criteria: Invitae Variant Classification Sherloc (09022015). Collection method: clinical testing. Allele origin: germline.
Comment: This sequence change replaces histidine, which is basic and polar, with arginine, which is basic and polar, at codon 194 of the TBX1 protein (p.His194Arg). This variant is not present in population databases (gnomAD no frequency). This variant has not been reported in the literature in individuals affected with TBX1-related conditions. ClinVar contains an entry for this variant (Variation ID: 2712834). Invitae Evidence Modeling of protein sequence and biophysical properties (such as structural, functional, and spatial information, amino acid conservation, physicochemical variation, residue mobility, and thermodynamic stability) indicates that this missense variant is expected to disrupt TBX1 protein function with a positive predictive value of 80%. In summary, the available evidence is currently insufficient to determine the role of this variant in disease. Therefore, it has been classified as a Variant of Uncertain Significance.